The following is an entry in ClinVar:

ClinVar aggregate classification (germline): Pathogenic (1 of 4 stars; one submission).

Conditions:
Neurofibromatosis, type 1 (NF1). Also called: Peripheral type neurofibromatosis; VON RECKLINGHAUSEN DISEASE; NEUROFIBROMATOSIS, TYPE I, SOMATIC; Neurofibromatosis, type I. Identifiers: Orphanet 636, MedGen C0027831, MONDO:0018975, OMIM 162200. Disease mechanism: loss of function.

Submission:

Labcorp Genetics (formerly Invitae), Labcorp
Classification: Pathogenic for Neurofibromatosis, type 1. Last evaluated: 2024-06-16. Review status: criteria provided, single submitter. Criteria: Invitae Variant Classification Sherloc (09022015). Collection method: clinical testing. Allele origin: germline.
Comment: This variant, c.1732_1737del, results in the deletion of 2 amino acid(s) of the NF1 protein (p.Leu578_Phe579del), but otherwise preserves the integrity of the reading frame. This variant is not present in population databases (gnomAD no frequency). This variant has not been reported in the literature in individuals affected with NF1-related conditions. This variant disrupts a region of the NF1 protein in which other variant(s) (p.Leu578Pro) have been determined to be pathogenic (PMID: 16479075, 17426081). This suggests that this is a clinically significant region of the protein, and that variants that disrupt it are likely to be disease-causing. For these reasons, this variant has been classified as Pathogenic.

Literature cited by the submitters: PubMed 16479075; PubMed 17426081.

NM_001042492.3(NF1):c.1732_1737del (p.Leu578_Phe579del)

Gene: NF1 (neurofibromin 1; plus strand). Cytogenetic location: 17q11.2.
Variant type: Deletion.
Coding change: c.1732_1737del on transcript NM_001042492.3 (MANE Select); coding-DNA positions 1732 to 1737, 6 bases deleted (CTTTTT; older notation c.1732_1737delCTTTTT).
Protein change: p.Leu578_Phe579del.
Molecular consequence: inframe deletion. On other transcripts: inframe indel (1).
Genome position (GRCh38, 1-based): chr17:31,223,454-31,223,459, CTTTTT deleted. VCF-style (leftmost placement, unchanged base first): chr17-31223453-GCTTTTT-G. GRCh37 (hg19) VCF-style: chr17-29550471-GCTTTTT-G.
Other names: c.1732_1737delCTTTTT, p.Leu578_Phe579del (NM_000267.4).
Identifiers: ClinVar variation 3656756 (VCV003656756.2).